The following is an entry in ClinVar:

NM_014989.7(RIMS1):c.4310A>G (p.Lys1437Arg)

Gene: RIMS1 (regulating synaptic membrane exocytosis 1; plus strand). Cytogenetic location: 6q13.
Variant type: single nucleotide variant.
Coding change: c.4310A>G on transcript NM_014989.7 (MANE Select); coding-DNA position 4310, A replaced by G.
Protein change: p.Lys1437Arg; replaces lysine 1437 with arginine.
Molecular consequence: missense variant. On other transcripts: intron variant (24).
Genome position (GRCh38, 1-based): chr6:72,333,779, A>G. VCF-style: chr6-72333779-A-G. GRCh37 (hg19) VCF-style: chr6-73043482-A-G.
Other names: c.2270A>G, p.Lys757Arg (NM_001168407.2); c.2231A>G, p.Lys744Arg (NM_001350414.2); c.2327A>G, p.Lys776Arg (NM_001350415.2); c.2276A>G, p.Lys759Arg (NM_001350416.2); c.2249A>G, p.Lys750Arg (NM_001350418.2); c.2384A>G, p.Lys795Arg (NM_001350420.2); c.2129A>G, p.Lys710Arg (NM_001350421.2); c.2018A>G, p.Lys673Arg (NM_001350423.2); and 53 more; short protein forms K626R, K704R, K750R, K760R, K776R, K795R, K818R, K683R.
Identifiers: ClinVar variation 1938523 (VCV001938523.5), dbSNP rs758377481, ClinGen allele CA3886482.

ClinVar aggregate classification (germline): Uncertain significance (1 of 4 stars; one submission).

Allele frequency attached by ClinVar (database versions not stated): ExAC 0.00002.
gnomAD v4.1: 2 of 1,598,014 alleles (0.00013%); highest among the groups gnomAD compares: Admixed American, 0.0035%; no homozygotes.

Submission:

Labcorp Genetics (formerly Invitae), Labcorp
Classification: Uncertain significance. Last evaluated: 2023-05-08. Review status: criteria provided, single submitter. Criteria: Invitae Variant Classification Sherloc (09022015). Collection method: clinical testing. Allele origin: germline.
Comment: This sequence change replaces lysine, which is basic and polar, with arginine, which is basic and polar, at codon 1437 of the RIMS1 protein (p.Lys1437Arg). In summary, the available evidence is currently insufficient to determine the role of this variant in disease. Therefore, it has been classified as a Variant of Uncertain Significance. Algorithms developed to predict the effect of missense changes on protein structure and function output the following: SIFT: "Not Available"; PolyPhen-2: "Benign"; Align-GVGD: "Not Available". The arginine amino acid residue is found in multiple mammalian species, which suggests that this missense change does not adversely affect protein function. ClinVar contains an entry for this variant (Variation ID: 1938523). This variant has not been reported in the literature in individuals affected with RIMS1-related conditions. The frequency data for this variant in the population databases is considered unreliable, as metrics indicate poor data quality at this position in the gnomAD database.